The following is an entry in ClinVar:

NM_152443.3(RDH12):c.108G>C (p.Gln36His)

Genes: GPHN (gephyrin; plus strand), RDH12 (retinol dehydrogenase 12; plus strand). Cytogenetic location: 14q24.1.
Variant type: single nucleotide variant.
Coding change: c.108G>C on transcript NM_152443.3 (MANE Select); coding-DNA position 108, G replaced by C.
Protein change: p.Gln36His; replaces glutamine 36 with histidine.
Molecular consequence: missense variant.
Genome position (GRCh38, 1-based): chr14:67,724,512, G>C. VCF-style: chr14-67724512-G-C. GRCh37 (hg19) VCF-style: chr14-68191229-G-C.
Other names: short protein forms Q36H.
Identifiers: ClinVar variation 1497618 (VCV001497618.5), dbSNP rs950626394, ClinGen allele CA262808539.

ClinVar aggregate classification (germline): Uncertain significance (1 of 4 stars; one submission).

Conditions:
Leber congenital amaurosis 13 (LCA13). Identifiers: MedGen C2675186, MONDO:0012990, OMIM 612712.

Allele frequency attached by ClinVar (database versions not stated): gnomAD exomes below 0.00001; TOPMed below 0.00001; gnomAD 0.00001.
gnomAD v4.1: 9 of 1,612,142 alleles (0.00056%); highest among the groups gnomAD compares: Middle Eastern, 0.016%; no homozygotes.

Submission:

Labcorp Genetics (formerly Invitae), Labcorp
Classification: Uncertain significance for Leber congenital amaurosis 13. Last evaluated: 2024-07-24. Review status: criteria provided, single submitter. Criteria: Invitae Variant Classification Sherloc (09022015). Collection method: clinical testing. Allele origin: germline.
Comment: This sequence change replaces glutamine, which is neutral and polar, with histidine, which is basic and polar, at codon 36 of the RDH12 protein (p.Gln36His). This variant is present in population databases (no rsID available, gnomAD 0.0008%). This variant has not been reported in the literature in individuals affected with RDH12-related conditions. ClinVar contains an entry for this variant (Variation ID: 1497618). Advanced modeling of protein sequence and biophysical properties (such as structural, functional, and spatial information, amino acid conservation, physicochemical variation, residue mobility, and thermodynamic stability) performed at Invitae indicates that this missense variant is not expected to disrupt RDH12 protein function with a negative predictive value of 80%. In summary, the available evidence is currently insufficient to determine the role of this variant in disease. Therefore, it has been classified as a Variant of Uncertain Significance.